The following is an entry in ClinVar:

ClinVar aggregate classification (germline): Uncertain significance. Review status: reviewed by expert panel (3 of 4 stars). 4 submissions from 4 submitters: Uncertain significance (1). 3 of the submissions do not count toward it. Last evaluated 2024-07-25.

Conditions:
Hereditary thrombocytopenia and hematologic cancer predisposition syndrome. Identifiers: Orphanet 71290, MedGen CN281654, MONDO:0011071.
Hereditary thrombocytopenia and hematological cancer predisposition syndrome associated with RUNX1. Also called: PLATELET DISORDER, ASPIRIN-LIKE; Familial Platelet Disorder with Propensity to Acute Myelogenous Leukemia; Familial thrombocytopenia with propensity to acute myelogenous leukemia; RUNX1 Familial Platelet Disorder with Associated Myeloid Malignancies. Identifiers: Orphanet 71290, MedGen C1832388, MeSH C563324, MONDO:0100083, OMIM 601399.
Inborn genetic diseases. Identifiers: MedGen C0950123, MeSH D030342.

Allele frequency attached by ClinVar (database versions not stated): gnomAD 0.00001; TOPMed 0.00001; ExAC 0.00002; gnomAD exomes 0.00002.
gnomAD v4.1: 23 of 1,614,002 alleles (0.0014%); highest among the groups gnomAD compares: African/African-American, 0.0027%; no homozygotes.

Submissions (4):

ClinGen Myeloid Malignancy Variant Curation Expert Panel
Classification: Uncertain significance for Hereditary thrombocytopenia and hematologic cancer predisposition syndrome. Last evaluated: 2024-07-25. Review status: reviewed by expert panel. Criteria: ClinGen MyeloMalig ACMG Specifications v2. Collection method: curation. Allele origin: germline. Inheritance: Autosomal dominant inheritance.
Comment: NM_001754.5(RUNX1):c.959G>A (p.Arg320Gln) is a missense variant which has a highest population minor allele frequency in gnomAD v2 of 0.00003516 (4/113756 alleles) in the non-Finnish European population. This variant has not been reported in relevant cases in the literature. The computational predictor REVEL gives a score of 0.450, which is below the threshold of 0.50, and the splice site predictor SpliceAI indicated that the variant has no impact on splicing, evidence that does not predict a damaging effect on RUNX1 function (BP4). In summary, this variant meets the criteria to be classified as a variant of uncertain significance (VUS) for autosomal dominant hereditary thrombocytopenia and hematologic cancer predisposition syndrome based on the ACMG/AMP criteria applied, as specified by the ClinGen Myeloid Malignancy VCEP: BP4.

Labcorp Genetics (formerly Invitae), Labcorp
Classification: Uncertain significance for Hereditary thrombocytopenia and hematological cancer predisposition syndrome associated with RUNX1. Last evaluated: 2025-07-21. Review status: criteria provided, single submitter. Criteria: Invitae Variant Classification Sherloc (09022015). Collection method: clinical testing. Allele origin: germline. Not counted in ClinVar's aggregate classification.
Comment: This sequence change replaces arginine, which is basic and polar, with glutamine, which is neutral and polar, at codon 320 of the RUNX1 protein (p.Arg320Gln). This variant is present in population databases (rs761688033, gnomAD 0.004%). This variant has not been reported in the literature in individuals affected with RUNX1-related conditions. ClinVar contains an entry for this variant (Variation ID: 939981). Invitae Evidence Modeling of protein sequence and biophysical properties (such as structural, functional, and spatial information, amino acid conservation, physicochemical variation, residue mobility, and thermodynamic stability) has been performed for this missense variant. However, the output from this modeling did not meet the statistical confidence thresholds required to predict the impact of this variant on RUNX1 protein function. In summary, the available evidence is currently insufficient to determine the role of this variant in disease. Therefore, it has been classified as a Variant of Uncertain Significance.

Ambry Genetics
Classification: Uncertain significance for Inborn genetic diseases. Last evaluated: 2024-12-08. Review status: criteria provided, single submitter. Criteria: Ambry Variant Classification Scheme 2023. Collection method: clinical testing. Allele origin: germline. Not counted in ClinVar's aggregate classification.
Comment: The p.R320Q variant (also known as c.959G>A), located in coding exon 7 of the RUNX1 gene, results from a G to A substitution at nucleotide position 959. The arginine at codon 320 is replaced by glutamine, an amino acid with highly similar properties. This amino acid position is conserved. In addition, the in silico prediction for this alteration is inconclusive. Based on the available evidence, the clinical significance of this variant remains unclear.

GeneDx
Classification: Uncertain significance. Last evaluated: 2024-01-17. Review status: criteria provided, single submitter. Criteria: GeneDx Variant Classification Process June 2021. Collection method: clinical testing. Allele origin: germline. Affected: yes. Not counted in ClinVar's aggregate classification.
Comment: Not observed at significant frequency in large population cohorts (gnomAD); In silico analysis supports that this missense variant does not alter protein structure/function; Has not been previously published as pathogenic or benign to our knowledge

NM_001754.5(RUNX1):c.959G>A (p.Arg320Gln)

Gene: RUNX1 (RUNX family transcription factor 1; minus strand). Cytogenetic location: 21q22.12.
Variant type: single nucleotide variant.
Coding change: c.959G>A on transcript NM_001754.5 (MANE Select); coding-DNA position 959, G replaced by A.
Protein change: p.Arg320Gln; replaces arginine 320 with glutamine.
Molecular consequence: missense variant.
Genome position (GRCh38, 1-based): chr21:34,799,309, C>T on the plus strand (G>A on the coding strand, the complement: RUNX1 is on the minus strand). VCF-style: chr21-34799309-C-T. GRCh37 (hg19) VCF-style: chr21-36171606-C-T.
Other names: NM_001754.5(RUNX1):c.959G>A; p.Arg320Gln; c.878G>A, p.Arg293Gln (NM_001001890.3); short protein forms R293Q, R320Q.
Identifiers: ClinVar variation 939981 (VCV000939981.12), dbSNP rs761688033, ClinGen allele CA10014260.